The following is an entry in ClinVar:

ClinVar aggregate classification (germline): Uncertain significance (1 of 4 stars; one submission).

Conditions:
SETD1A-related disorder. Also called: SETD1A-related condition.

Submission:

PreventionGenetics, part of Exact Sciences
Classification: Uncertain significance for SETD1A-related condition. Last evaluated: 2025-12-04. Review status: criteria provided, single submitter. Criteria: ACMG Guidelines, 2015. Collection method: clinical testing. Allele origin: germline.
Comment: The SETD1A c.319G>A variant is predicted to result in the amino acid substitution p.Glu107Lys. To our knowledge, this variant has not been reported in the literature or in a large population database (gnomAD), indicating this variant is rare. At this time, the clinical significance of this variant is uncertain due to the absence of conclusive functional and genetic evidence.

NM_014712.3(SETD1A):c.319G>A (p.Glu107Lys)

Gene: SETD1A (SET domain containing 1A, histone lysine methyltransferase; plus strand). Cytogenetic location: 16p11.2.
Variant type: single nucleotide variant.
Coding change: c.319G>A on transcript NM_014712.3 (MANE Select); coding-DNA position 319, G replaced by A.
Protein change: p.Glu107Lys; replaces glutamic acid 107 with lysine.
Molecular consequence: missense variant.
Genome position (GRCh38, 1-based): chr16:30,961,339, G>A. VCF-style: chr16-30961339-G-A. GRCh37 (hg19) VCF-style: chr16-30972660-G-A.
Other names: short protein forms E107K.
Identifiers: ClinVar variation 4991521 (VCV004991521.1).
Genomic context (GRCh38, chr16:30,961,339, plus strand): 5'-TATATTGGACAGATTCCACTGAAGGAAGTGACTTTTGCAAGGCTGAATGACAACGTGCGG[G>A]AGACCTTCCTGAAGGATATGTGCCGTAAGTACGGTGAGGTGGAAGAGGTAGAGATCCTCC-3'
Protein context (NP_055527.1, residues 97-117): TFARLNDNVR[Glu107Lys]TFLKDMCRKY